The following is an entry in ClinVar:

NM_001267550.2(TTN):c.106532-19del

Genes: TTN (titin; minus strand), TTN-AS1 (TTN antisense RNA 1; plus strand). Cytogenetic location: 2q31.2.
Variant type: Deletion.
Coding change: c.106532-19del on transcript NM_001267550.2 (MANE Select); 19 bases into the intron before coding-DNA position 106532, one base deleted (A; older notation c.106532-19delA).
Molecular consequence: intron variant.
Genome position (GRCh38, 1-based): chr2:178,529,238, T deleted on the plus strand (A on the coding strand, the reverse complement: TTN is on the minus strand). VCF-style (leftmost placement, unchanged base first): chr2-178529237-GT-G. GRCh37 (hg19) VCF-style: chr2-179393964-GT-G.
Other names: c.101609-19delA (NM_001256850.1); c.79337-19del (NM_003319.4); c.79913-19del (NM_133437.4); c.79712-19del (NM_133432.3); c.98828-19del (NM_133378.4); c.101609-19del (NM_001256850.1).
Identifiers: ClinVar variation 668701 (VCV000668701.10), dbSNP rs780849261, ClinGen allele CA1985081.

ClinVar aggregate classification (germline): Likely benign. Review status: criteria provided, multiple submitters, no conflicts (2 of 4 stars). 3 submissions from 3 submitters: Likely benign (3). Last evaluated 2026-01-13.

Conditions:
Dilated cardiomyopathy 1G (CMD1G). Identifiers: Orphanet 154, MedGen C1858763, MONDO:0011400, OMIM 604145.
Autosomal recessive limb-girdle muscular dystrophy type 2J (LGMDR10). Also called: Limb-girdle muscular dystrophy, type 2J; MUSCULAR DYSTROPHY, LIMB-GIRDLE, AUTOSOMAL RECESSIVE 10. Identifiers: Orphanet 140922, MedGen C1837342, MONDO:0012127, OMIM 608807.

Allele frequency attached by ClinVar (database versions not stated): gnomAD exomes below 0.00001; gnomAD 0.00005 and 0.00006; ExAC 0.00010; TOPMed 0.00010; ESP Exome Variant Server 0.00057.

Submissions (3):

Labcorp Genetics (formerly Invitae), Labcorp
Classification: Likely benign for Dilated cardiomyopathy 1G; Autosomal recessive limb-girdle muscular dystrophy type 2J. Last evaluated: 2026-01-13. Review status: criteria provided, single submitter. Criteria: Invitae Variant Classification Sherloc (09022015). Collection method: clinical testing. Allele origin: germline.

Blueprint Genetics
Classification: Likely benign. Last evaluated: 2023-01-13. Review status: criteria provided, single submitter. Criteria: ACMG Guidelines, 2015. Collection method: clinical testing. Allele origin: germline.

GeneDx
Classification: Likely benign. Last evaluated: 2018-05-21. Review status: criteria provided, single submitter. Criteria: GeneDx Variant Classification (06012015). Collection method: clinical testing. Allele origin: germline. Affected: yes.
Comment: This variant is considered likely benign or benign based on one or more of the following criteria: it is a conservative change, it occurs at a poorly conserved position in the protein, it is predicted to be benign by multiple in silico algorithms, and/or has population frequency not consistent with disease.